The following is an entry in ClinVar:

ClinVar aggregate classification (germline): Uncertain significance (1 of 4 stars; one submission).

Allele frequency attached by ClinVar (database versions not stated): gnomAD 0.00001; gnomAD exomes 0.00001 and 0.00007; TOPMed 0.00002; ESP Exome Variant Server 0.00008.
gnomAD v4.1: 103 of 1,601,282 alleles (0.0064%); highest among the groups gnomAD compares: Non-Finnish European, 0.0083%; no homozygotes.

Submission:

Laboratory for Molecular Medicine, Mass General Brigham Personalized Medicine
Classification: Uncertain significance. Last evaluated: 2015-11-12. Review status: criteria provided, single submitter. Criteria: LMM Criteria. Collection method: clinical testing. Allele origin: germline. Observed: 1 variant allele.
Comment: Variant classified as Uncertain Significance - Favor Benign. The p.Thr27Thr (c.8 1A>C ) variant in TSPEAR has not been previously reported in individuals with he aring loss and was absent from large population studies. This variant is located in the second to last base of the exon, which is part of the 5' splice region. Computational tools do not suggest an impact to splicing. However, this informat ion is not predictive enough to rule out pathogenicity. In summary, while the cl inical significance of the p.Thr27Thr variant is uncertain, these data suggest t hat it is more likely to be benign.

NM_144991.3(TSPEAR):c.81A>C (p.Thr27=)

Gene: TSPEAR (thrombospondin type laminin G domain and EAR repeats; minus strand). Cytogenetic location: 21q22.3.
Variant type: single nucleotide variant.
Coding change: c.81A>C on transcript NM_144991.3 (MANE Select); coding-DNA position 81, A replaced by C.
Protein change: p.Thr27=; no amino-acid change (threonine 27 retained).
Molecular consequence: synonymous variant. On other transcripts: 5 prime UTR variant (1).
Genome position (GRCh38, 1-based): chr21:44,711,434, T>G on the plus strand (A>C on the coding strand, the complement: TSPEAR is on the minus strand). VCF-style: chr21-44711434-T-G. GRCh37 (hg19) VCF-style: chr21-46131349-T-G.
Other names: c.-186A>C (NM_001272037.2).
Identifiers: ClinVar variation 229382 (VCV000229382.5), dbSNP rs149709159, ClinGen allele CA10577215.